The following is an entry in ClinVar:

ClinVar aggregate classification (germline): Uncertain significance. Review status: criteria provided, multiple submitters, no conflicts (2 of 4 stars). 2 submissions from 2 submitters: Uncertain significance (2). Last evaluated 2024-06-07.

Conditions:
DICER1-related tumor predisposition. Also called: DICER1-related pleuropulmonary blastoma cancer predisposition syndrome; DICER1 syndrome. Identifiers: Orphanet 284343, MedGen C3839822, MONDO:0100216.
Hereditary cancer-predisposing syndrome. Also called: Tumor predisposition; Hereditary Cancer Syndrome; Neoplastic Syndromes, Hereditary; Hereditary neoplastic syndrome. Identifiers: Orphanet 140162, MedGen C0027672, MeSH D009386, MONDO:0015356.

Allele frequency attached by ClinVar (database versions not stated): gnomAD exomes below 0.00001.
gnomAD v4.1: 1 of 1,608,686 alleles (0.000062%); highest among the groups gnomAD compares: East Asian, 0.0022%; no homozygotes.

Submissions (2):

Ambry Genetics
Classification: Uncertain significance for Hereditary cancer-predisposing syndrome. Last evaluated: 2024-06-07. Review status: criteria provided, single submitter. Criteria: Ambry Variant Classification Scheme 2023. Collection method: clinical testing. Allele origin: germline.
Comment: The p.T918I variant (also known as c.2753C>T), located in coding exon 16 of the DICER1 gene, results from a C to T substitution at nucleotide position 2753. The threonine at codon 918 is replaced by isoleucine, an amino acid with similar properties. This amino acid position is conserved. In addition, this alteration is predicted to be tolerated by in silico analysis. Based on the available evidence, the clinical significance of this variant remains unclear.

Labcorp Genetics (formerly Invitae), Labcorp
Classification: Uncertain significance for DICER1-related tumor predisposition. Last evaluated: 2023-04-12. Review status: criteria provided, single submitter. Criteria: Invitae Variant Classification Sherloc (09022015). Collection method: clinical testing. Allele origin: germline.
Comment: ClinVar contains an entry for this variant (Variation ID: 1016753). In summary, the available evidence is currently insufficient to determine the role of this variant in disease. Therefore, it has been classified as a Variant of Uncertain Significance. Advanced modeling of protein sequence and biophysical properties (such as structural, functional, and spatial information, amino acid conservation, physicochemical variation, residue mobility, and thermodynamic stability) performed at Invitae indicates that this missense variant is not expected to disrupt DICER1 protein function. This variant has not been reported in the literature in individuals affected with DICER1-related conditions. This variant is not present in population databases (gnomAD no frequency). This sequence change replaces threonine, which is neutral and polar, with isoleucine, which is neutral and non-polar, at codon 918 of the DICER1 protein (p.Thr918Ile).

NM_177438.3(DICER1):c.2753C>T (p.Thr918Ile)

Gene: DICER1 (dicer 1, ribonuclease III; minus strand). Cytogenetic location: 14q32.13.
Variant type: single nucleotide variant.
Coding change: c.2753C>T on transcript NM_177438.3 (MANE Select); coding-DNA position 2753, C replaced by T.
Protein change: p.Thr918Ile; replaces threonine 918 with isoleucine.
Molecular consequence: missense variant.
Genome position (GRCh38, 1-based): chr14:95,107,659, G>A on the plus strand (C>T on the coding strand, the complement: DICER1 is on the minus strand). VCF-style: chr14-95107659-G-A. GRCh37 (hg19) VCF-style: chr14-95573996-G-A.
Other names: c.2753C>T (NM_177438.2); c.2753C>T, p.Thr918Ile (NM_001195573.1, NM_001271282.3, NM_001291628.2 and 1 more transcripts); short protein forms T918I.
Identifiers: ClinVar variation 1016753 (VCV001016753.11), dbSNP rs1891556732, ClinGen allele CA390879515.